The following is an entry in ClinVar:

NM_000388.4(CASR):c.919A>G (p.Met307Val)

Gene: CASR (calcium sensing receptor; plus strand). Cytogenetic location: 3q21.1.
Variant type: single nucleotide variant.
Coding change: c.919A>G on transcript NM_000388.4 (MANE Select); coding-DNA position 919, A replaced by G.
Protein change: p.Met307Val; replaces methionine 307 with valine.
Molecular consequence: missense variant.
Genome position (GRCh38, 1-based): chr3:122,261,954, A>G. VCF-style: chr3-122261954-A-G. GRCh37 (hg19) VCF-style: chr3-121980801-A-G.
Other names: c.919A>G, p.Met307Val (NM_001178065.2); c.919A>G (NM_000388.3); short protein forms M307V.
Identifiers: ClinVar variation 2954205 (VCV002954205.4), dbSNP rs1482188377, ClinGen allele CA354151633.

ClinVar aggregate classification (germline): Uncertain significance. Review status: criteria provided, multiple submitters, no conflicts (2 of 4 stars). 2 submissions from 2 submitters: Uncertain significance (2). Last evaluated 2023-10-08.

Conditions:
Nephrolithiasis/nephrocalcinosis. Identifiers: MedGen CN580796.
Autosomal dominant hypocalcemia 1 (HYPOC1). Also called: HYPOCALCEMIA, FAMILIAL. Identifiers: MedGen C3715128, MONDO:0011013, OMIM 601198.
Familial hypocalciuric hypercalcemia (FHH). Also called: Familial benign hypercalcemia. Identifiers: Orphanet 405, MedGen C1809471, MONDO:0018458.

gnomAD v4.1: 1 of 1,614,128 alleles (0.000062%); no homozygotes.

Submissions (2):

Labcorp Genetics (formerly Invitae), Labcorp
Classification: Uncertain significance for Familial hypocalciuric hypercalcemia; Autosomal dominant hypocalcemia 1. Last evaluated: 2023-10-08. Review status: criteria provided, single submitter. Criteria: Invitae Variant Classification Sherloc (09022015). Collection method: clinical testing. Allele origin: germline.
Comment: This sequence change replaces methionine, which is neutral and non-polar, with valine, which is neutral and non-polar, at codon 307 of the CASR protein (p.Met307Val). This variant is not present in population databases (gnomAD no frequency). This variant has not been reported in the literature in individuals affected with CASR-related conditions. An algorithm developed to predict the effect of missense changes on protein structure and function (PolyPhen-2) suggests that this variant is likely to be tolerated. In summary, the available evidence is currently insufficient to determine the role of this variant in disease. Therefore, it has been classified as a Variant of Uncertain Significance.

Ambry Genetics
Classification: Uncertain significance for Nephrolithiasis/nephrocalcinosis. Last evaluated: 2023-07-06. Review status: criteria provided, single submitter. Criteria: Ambry Variant Classification Scheme 2023. Collection method: clinical testing. Allele origin: germline.
Comment: The p.M307V variant (also known as c.919A>G), located in coding exon 3 of the CASR gene, results from an A to G substitution at nucleotide position 919. The methionine at codon 307 is replaced by valine, an amino acid with highly similar properties. This amino acid position is conserved. In addition, the in silico prediction for this alteration is inconclusive. Since supporting evidence is limited at this time, the clinical significance of this alteration remains unclear.